The following is an entry in ClinVar:

NM_000289.6(PFKM):c.103dup (p.Arg35fs)

Gene: PFKM (phosphofructokinase, muscle; plus strand). Cytogenetic location: 12q13.11.
Variant type: Duplication.
Coding change: c.103dup on transcript NM_000289.6 (MANE Select); coding-DNA position 103, one base duplicated (A; older notation c.103dupA).
Protein change: p.Arg35fs; shifts the reading frame from arginine 35.
Molecular consequence: frameshift variant. On other transcripts: non-coding transcript variant (4), intron variant (2).
Genome position (GRCh38, 1-based): chr12:48,130,380, A duplicated. VCF-style (leftmost placement, unchanged base first): chr12-48130379-C-CA. GRCh37 (hg19) VCF-style: chr12-48524162-C-CA.
Other names: c.316dup, p.Arg106fs (NM_001166686.2, NM_001354737.1, NM_001354738.1 and 1 more transcripts); c.103dup, p.Arg35fs (NM_001166687.2, NM_001166688.2, NM_001354742.2 and 4 more transcripts); c.412dup, p.Arg138fs (NM_001354735.1, NM_001354736.1); c.247dup, p.Arg83fs (NM_001354740.1); c.127dup, p.Arg43fs (NM_001354741.2); c.16dup, p.Arg6fs (NM_001354745.2); c.10-936dup (NM_001354747.2, NM_001354748.2); short protein forms R83fs, R43fs, R6fs, R106fs, R35fs, R138fs.
Identifiers: ClinVar variation 2901901 (VCV002901901.3), dbSNP rs2540854316, ClinGen allele CA2618524228.

ClinVar aggregate classification (germline): Pathogenic (1 of 4 stars; one submission).

Conditions:
Glycogen storage disease, type VII (GSD7). Also called: MUSCLE PHOSPHOFRUCTOKINASE DEFICIENCY; PFKM DEFICIENCY; GSD VII; TARUI DISEASE. Identifiers: Orphanet 371, MedGen C0017926, MONDO:0009295, OMIM 232800.

Allele frequency attached by ClinVar (database versions not stated): gnomAD exomes below 0.00001.

Submission:

Labcorp Genetics (formerly Invitae), Labcorp
Classification: Pathogenic for Glycogen storage disease, type VII. Last evaluated: 2023-04-11. Review status: criteria provided, single submitter. Criteria: Invitae Variant Classification Sherloc (09022015). Collection method: clinical testing. Allele origin: germline.
Comment: For these reasons, this variant has been classified as Pathogenic. This variant has not been reported in the literature in individuals affected with PFKM-related conditions. This variant is not present in population databases (gnomAD no frequency). This sequence change creates a premature translational stop signal (p.Arg35Lysfs*19) in the PFKM gene. It is expected to result in an absent or disrupted protein product. Loss-of-function variants in PFKM are known to be pathogenic (PMID: 7825568, 8037209).

Literature cited by the submitters: PubMed 7825568; PubMed 8037209.